The following is an entry in ClinVar:

NM_001367561.1(DOCK7):c.2112+3C>T

Gene: DOCK7 (dedicator of cytokinesis 7; minus strand). Cytogenetic location: 1p31.3.
Variant type: single nucleotide variant.
Coding change: c.2112+3C>T on transcript NM_001367561.1 (MANE Select); 3 bases into the intron after coding-DNA position 2112, C replaced by T.
Molecular consequence: intron variant.
Genome position (GRCh38, 1-based): chr1:62,577,259, G>A on the plus strand (C>T on the coding strand, the complement: DOCK7 is on the minus strand). VCF-style: chr1-62577259-G-A. GRCh37 (hg19) VCF-style: chr1-63042930-G-A.
Other names: c.2112+3C>T (NM_001272001.2, NM_001272000.2, NM_033407.4 and 2 more transcripts).
Identifiers: ClinVar variation 1507697 (VCV001507697.6), dbSNP rs2149480888, ClinGen allele CA2573132521.

ClinVar aggregate classification (germline): Uncertain significance (1 of 4 stars; one submission).

Conditions:
Developmental and epileptic encephalopathy, 23 (DEE23). Also called: Epileptic encephalopathy, early infantile, 23. Identifiers: Orphanet 411986, MedGen C4014492, MONDO:0014371, OMIM 615859.

gnomAD v4.1: 1 of 1,459,070 alleles (0.000069%); highest among the groups gnomAD compares: South Asian, 0.0017%; no homozygotes.

Submission:

Labcorp Genetics (formerly Invitae), Labcorp
Classification: Uncertain significance for Developmental and epileptic encephalopathy, 23. Last evaluated: 2022-02-08. Review status: criteria provided, single submitter. Criteria: Invitae Variant Classification Sherloc (09022015). Collection method: clinical testing. Allele origin: germline.
Comment: In summary, the available evidence is currently insufficient to determine the role of this variant in disease. Therefore, it has been classified as a Variant of Uncertain Significance. Variants that disrupt the consensus splice site are a relatively common cause of aberrant splicing (PMID: 17576681, 9536098). Algorithms developed to predict the effect of sequence changes on RNA splicing suggest that this variant is not likely to affect RNA splicing. This variant has not been reported in the literature in individuals affected with DOCK7-related conditions. This variant is not present in population databases (gnomAD no frequency). This sequence change falls in intron 18 of the DOCK7 gene. It does not directly change the encoded amino acid sequence of the DOCK7 protein. It affects a nucleotide within the consensus splice site.

Literature cited by the submitters: PubMed 17576681; PubMed 9536098.